The following is an entry in ClinVar:

NM_000088.4(COL1A1):c.985G>A (p.Gly329Ser)

Gene: COL1A1 (collagen type I alpha 1 chain; minus strand). Cytogenetic location: 17q21.33.
Variant type: single nucleotide variant.
Coding change: c.985G>A on transcript NM_000088.4 (MANE Select); coding-DNA position 985, G replaced by A.
Protein change: p.Gly329Ser; replaces glycine 329 with serine.
Molecular consequence: missense variant.
Genome position (GRCh38, 1-based): chr17:50,196,172, C>T on the plus strand (G>A on the coding strand, the complement: COL1A1 is on the minus strand). VCF-style: chr17-50196172-C-T. GRCh37 (hg19) VCF-style: chr17-48273533-C-T.
Other names: short protein forms G329S.
Identifiers: ClinVar variation 5039966 (VCV005039966.1).

ClinVar aggregate classification (germline): Likely pathogenic (1 of 4 stars; one submission).

Submission:

CeGaT Center for Human Genetics Tuebingen
Classification: Likely pathogenic. Last evaluated: 2026-07-01. Review status: criteria provided, single submitter. Criteria: CeGaT Center For Human Genetics Tuebingen Variant Classification Criteria Version 2. Collection method: clinical testing. Allele origin: germline. Affected: yes. Observed: 1 variant allele.
Comment: COL1A1: PM1:Strong, PM2, PM5:Supporting, PP3